The following is an entry in ClinVar:

ClinVar aggregate classification (germline): Benign. Review status: criteria provided, multiple submitters, no conflicts (2 of 4 stars). 2 submissions from 2 submitters: Benign (2). Last evaluated 2018-06-19.

Allele frequency attached by ClinVar (database versions not stated): 1000 Genomes Project 30x 0.14225; TOPMed 0.14240; gnomAD 0.14262 and 0.14693; 1000 Genomes Project 0.14357; gnomAD exomes 0.16897.
gnomAD v4.1: 249,567 of 1,496,136 alleles (17%); highest among the groups gnomAD compares: South Asian, 29%; 22,310 homozygotes.

Submissions (5):

GeneDx
Classification: Benign. Last evaluated: 2018-06-19. Review status: criteria provided, single submitter. Criteria: GeneDx Variant Classification (06012015). Collection method: clinical testing. Allele origin: germline. Affected: yes.
Comment: This variant is considered likely benign or benign based on one or more of the following criteria: it is a conservative change, it occurs at a poorly conserved position in the protein, it is predicted to be benign by multiple in silico algorithms, and/or has population frequency not consistent with disease.

Breakthrough Genomics
Classification: Benign. Review status: criteria provided, single submitter. Criteria: ACMG Guidelines, 2015. Collection method: not provided. Allele origin: germline. Inheritance: Autosomal dominant inheritance. Affected: yes.

Dr. Peter K. Rogan Lab, Western University
No classification provided (evidence only). Condition: Acute myeloid leukemia. Review status: no classification provided. Collection method: in vitro. Allele origin: not applicable. Functional consequence: retained intron. Not counted in ClinVar's aggregate classification.

Dr. Peter K. Rogan Lab, Western University
No classification provided (evidence only). Condition: Gastric cancer. Review status: no classification provided. Collection method: in vitro. Allele origin: not applicable. Functional consequence: retained intron. Not counted in ClinVar's aggregate classification.

Dr. Peter K. Rogan Lab, Western University
No classification provided (evidence only). Condition: Uterine carcinosarcoma. Review status: no classification provided. Collection method: in vitro. Allele origin: not applicable. Functional consequence: retained intron. Not counted in ClinVar's aggregate classification.

NM_017617.5(NOTCH1):c.2207+70G>A

Gene: NOTCH1 (notch receptor 1; minus strand). Cytogenetic location: 9q34.3.
Variant type: single nucleotide variant.
Coding change: c.2207+70G>A on transcript NM_017617.5 (MANE Select); 70 bases into the intron after coding-DNA position 2207, G replaced by A.
Molecular consequence: intron variant.
Genome position (GRCh38, 1-based): chr9:136,514,440, C>T on the plus strand (G>A on the coding strand, the complement: NOTCH1 is on the minus strand). VCF-style: chr9-136514440-C-T. GRCh37 (hg19) VCF-style: chr9-139408892-C-T.
Other names: NC_000009.11:g.139408892C>T.
Identifiers: ClinVar variation 678549 (VCV000678549.3), dbSNP rs3812609, ClinGen allele CA13004114.